The following is an entry in ClinVar:

NM_001394062.1(MACF1):c.17414G>A (p.Arg5805His)

Gene: MACF1 (microtubule actin crosslinking factor 1; plus strand). Cytogenetic location: 1p34.3.
Variant type: single nucleotide variant.
Coding change: c.17414G>A on transcript NM_001394062.1 (MANE Select); coding-DNA position 17414, G replaced by A.
Protein change: p.Arg5805His; replaces arginine 5805 with histidine.
Molecular consequence: missense variant.
Genome position (GRCh38, 1-based): chr1:39,432,611, G>A. VCF-style: chr1-39432611-G-A. GRCh37 (hg19) VCF-style: chr1-39898283-G-A.
Other names: c.5483G>A, p.Arg1828His (NM_001397473.1); c.11228G>A, p.Arg3743His (NM_012090.5); short protein forms R1828H, R3743H, R5805H.
Identifiers: ClinVar variation 2044814 (VCV002044814.11), dbSNP rs144615050, ClinGen allele CA783597.

ClinVar aggregate classification (germline): Benign/Likely benign. Review status: criteria provided, multiple submitters, no conflicts (2 of 4 stars). 4 submissions from 4 submitters: Benign (1); Likely benign (2). 1 of the submissions does not count toward it. Last evaluated 2026-03-01.

Conditions:
MACF1-related disorder. Also called: MACF1-related condition.

Allele frequency attached by ClinVar (database versions not stated): ExAC 0.00054; ESP Exome Variant Server 0.00154; gnomAD 0.00165; TOPMed 0.00166; 1000 Genomes Project 30x 0.00344; 1000 Genomes Project 0.00359.
gnomAD v4.1: 490 of 1,613,960 alleles (0.03%); highest among the groups gnomAD compares: African/African-American, 0.56%; 1 homozygote.

Submissions (4):

CeGaT Center for Human Genetics Tuebingen
Classification: Likely benign. Last evaluated: 2026-03-01. Review status: criteria provided, single submitter. Criteria: CeGaT Center For Human Genetics Tuebingen Variant Classification Criteria Version 2. Collection method: clinical testing. Allele origin: germline. Affected: yes. Observed: 2 variant alleles.
Comment: MACF1: BS1

Labcorp Genetics (formerly Invitae), Labcorp
Classification: Benign. Last evaluated: 2025-12-19. Review status: criteria provided, single submitter. Criteria: Invitae Variant Classification Sherloc (09022015). Collection method: clinical testing. Allele origin: germline.

Blueprint Genetics
Classification: Likely benign. Last evaluated: 2024-11-01. Review status: criteria provided, single submitter. Criteria: ACMG Guidelines, 2015. Collection method: clinical testing. Allele origin: germline.

PreventionGenetics, part of Exact Sciences
Classification: Benign for MACF1-related condition. Last evaluated: 2019-11-11. Review status: no assertion criteria provided. Collection method: clinical testing. Allele origin: germline. Not counted in ClinVar's aggregate classification.
Comment: This variant is classified as benign based on ACMG/AMP sequence variant interpretation guidelines (Richards et al. 2015 PMID: 25741868, with internal and published modifications).